The following is an entry in ClinVar:

ClinVar aggregate classification (germline): Likely benign (1 of 4 stars; one submission).

Conditions:
SLC26A1-related disorder. Also called: SLC26A1-related condition.

gnomAD v4.1: 5 of 1,599,036 alleles (0.00031%); highest among the groups gnomAD compares: Admixed American, 0.0086%; no homozygotes.

Submission:

PreventionGenetics, part of Exact Sciences
Classification: Likely benign for SLC26A1-related condition. Last evaluated: 2026-03-10. Review status: criteria provided, single submitter. Criteria: ACMG Guidelines, 2015. Collection method: clinical testing. Allele origin: germline.
Comment: This variant is classified as likely benign based on ACMG/AMP sequence variant interpretation guidelines (Richards et al. 2015 PMID: 25741868, with internal and published modifications).

NM_022042.4(SLC26A1):c.2001C>G (p.Pro667=)

Genes: IDUA (alpha-L-iduronidase; plus strand), SLC26A1 (solute carrier family 26 member 1; minus strand). Cytogenetic location: 4p16.3.
Variant type: single nucleotide variant.
Coding change: c.2001C>G on transcript NM_022042.4 (MANE Select); coding-DNA position 2001, C replaced by G.
Protein change: p.Pro667=; no amino-acid change (proline 667 retained).
Molecular consequence: synonymous variant. On other transcripts: intron variant (2).
Genome position (GRCh38, 1-based): chr4:988,938, G>C on the plus strand (C>G on the coding strand, the complement: SLC26A1 is on the minus strand). VCF-style: chr4-988938-G-C. GRCh37 (hg19) VCF-style: chr4-982726-G-C.
Other names: c.2001C>G, p.Pro667= (NM_213613.4); c.576+2190C>G (NM_134425.4); c.299+989G>C (NM_000203.5).
Identifiers: ClinVar variation 4987792 (VCV004987792.1).